The following is an entry in ClinVar:

ClinVar aggregate classification (germline): Uncertain significance (1 of 4 stars; one submission).

Submission:

Labcorp Genetics (formerly Invitae), Labcorp
Classification: Uncertain significance. Last evaluated: 2025-04-17. Review status: criteria provided, single submitter. Criteria: Invitae Variant Classification Sherloc (09022015). Collection method: clinical testing. Allele origin: germline.
Comment: This sequence change replaces methionine, which is neutral and non-polar, with isoleucine, which is neutral and non-polar, at codon 499 of the POLR3B protein (p.Met499Ile). This variant is not present in population databases (gnomAD no frequency). This variant has not been reported in the literature in individuals affected with POLR3B-related conditions. Invitae Evidence Modeling of protein sequence and biophysical properties (such as structural, functional, and spatial information, amino acid conservation, physicochemical variation, residue mobility, and thermodynamic stability) indicates that this missense variant is not expected to disrupt POLR3B protein function with a negative predictive value of 80%. In summary, the available evidence is currently insufficient to determine the role of this variant in disease. Therefore, it has been classified as a Variant of Uncertain Significance.

NM_018082.6(POLR3B):c.1497G>C (p.Met499Ile)

Gene: POLR3B (RNA polymerase III subunit B; plus strand). Cytogenetic location: 12q23.3.
Variant type: single nucleotide variant.
Coding change: c.1497G>C on transcript NM_018082.6 (MANE Select); coding-DNA position 1497, G replaced by C.
Protein change: p.Met499Ile; replaces methionine 499 with isoleucine.
Molecular consequence: missense variant.
Genome position (GRCh38, 1-based): chr12:106,432,350, G>C. VCF-style: chr12-106432350-G-C. GRCh37 (hg19) VCF-style: chr12-106826128-G-C.
Other names: c.1323G>C, p.Met441Ile (NM_001160708.2); short protein forms M499I, M441I.
Identifiers: ClinVar variation 4747796 (VCV004747796.1).